The following is an entry in ClinVar:

ClinVar aggregate classification (germline): Uncertain significance (1 of 4 stars; one submission).

Submission:

GeneDx
Classification: Uncertain significance. Last evaluated: 2022-11-16. Review status: criteria provided, single submitter. Criteria: GeneDx Variant Classification Process June 2021. Collection method: clinical testing. Allele origin: germline. Affected: yes.
Comment: Not observed at significant frequency in large population cohorts (gnomAD); Missense variant in a gene in which most reported pathogenic variants are truncating/loss of function; Has not been previously published as pathogenic or benign to our knowledge

NM_001267550.2(TTN):c.12461T>C (p.Ile4154Thr)

Gene: TTN (titin; minus strand). Cytogenetic location: 2q31.2.
Variant type: single nucleotide variant.
Coding change: c.12461T>C on transcript NM_001267550.2 (MANE Select); coding-DNA position 12461, T replaced by C.
Protein change: p.Ile4154Thr; replaces isoleucine 4154 with threonine.
Molecular consequence: missense variant. On other transcripts: intron variant (1).
Genome position (GRCh38, 1-based): chr2:178,740,772, A>G on the plus strand (T>C on the coding strand, the complement: TTN is on the minus strand). VCF-style: chr2-178740772-A-G. GRCh37 (hg19) VCF-style: chr2-179605499-A-G.
Other names: c.11510T>C, p.Ile3837Thr (NM_001256850.1); c.11372T>C, p.Ile3791Thr (NM_003319.4); c.11747T>C, p.Ile3916Thr (NM_133432.3); c.11948T>C, p.Ile3983Thr (NM_133437.4); c.10361-2412T>C (NM_133378.4); short protein forms I3791T, I3837T, I3916T, I3983T, I4154T.
Identifiers: ClinVar variation 2502692 (VCV002502692.1), dbSNP rs779720111, ClinGen allele CA349615013.